The following is an entry in ClinVar:

NM_001374736.1(DST):c.2294C>T (p.Ala765Val)

Gene: DST (dystonin; minus strand). Cytogenetic location: 6p12.1.
Variant type: single nucleotide variant.
Coding change: c.2294C>T on transcript NM_001374736.1 (MANE Select); coding-DNA position 2294, C replaced by T.
Protein change: p.Ala765Val; replaces alanine 765 with valine.
Molecular consequence: missense variant.
Genome position (GRCh38, 1-based): chr6:56,640,339, G>A on the plus strand (C>T on the coding strand, the complement: DST is on the minus strand). VCF-style: chr6-56640339-G-A. GRCh37 (hg19) VCF-style: chr6-56505137-G-A.
Other names: c.2195C>T, p.Ala732Val (NM_001144769.5); c.1781C>T, p.Ala594Val (NM_001144770.2); c.2294C>T, p.Ala765Val (NM_001374722.1); c.1661C>T, p.Ala554Val (NM_001374729.1, NM_001374730.1, NM_001386100.1 and 1 more transcripts); c.2321C>T, p.Ala774Val (NM_001374734.1); c.683C>T, p.Ala228Val (NM_001723.7, NM_015548.5); short protein forms A765V, A228V, A774V, A554V, A594V, A732V.
Identifiers: ClinVar variation 2180019 (VCV002180019.4), dbSNP rs1330669407, ClinGen allele CA364578642.

ClinVar aggregate classification (germline): Uncertain significance (1 of 4 stars; one submission).

Conditions:
Epidermolysis bullosa simplex 3, localized or generalized intermediate, with BP230 deficiency (EBS3). Also called: Epidermolysis bullosa simplex due to BP230 deficiency; Epidermolysis bullosa simplex, autosomal recessive 2. Identifiers: Orphanet 412181, MedGen C3809470, MONDO:0014180, OMIM 615425.
Hereditary sensory and autonomic neuropathy type 6. Also called: Neuropathy, hereditary sensory and autonomic, type VI; HSAN VI. Identifiers: Orphanet 314381, MedGen C3539003, MONDO:0013839, OMIM 614653.

Allele frequency attached by ClinVar (database versions not stated): gnomAD 0.00001; gnomAD exomes 0.00001.
gnomAD v4.1: 6 of 1,614,038 alleles (0.00037%); highest among the groups gnomAD compares: Admixed American, 0.0017%; no homozygotes.

Submission:

Labcorp Genetics (formerly Invitae), Labcorp
Classification: Uncertain significance for Epidermolysis bullosa simplex 3, localized or generalized intermediate, with BP230 deficiency; Hereditary sensory and autonomic neuropathy type 6. Last evaluated: 2022-06-19. Review status: criteria provided, single submitter. Criteria: Invitae Variant Classification Sherloc (09022015). Collection method: clinical testing. Allele origin: germline.
Comment: This variant is present in population databases (no rsID available, gnomAD 0.003%). This sequence change replaces alanine, which is neutral and non-polar, with valine, which is neutral and non-polar, at codon 228 of the DST protein (p.Ala228Val). In summary, the available evidence is currently insufficient to determine the role of this variant in disease. Therefore, it has been classified as a Variant of Uncertain Significance. Algorithms developed to predict the effect of missense changes on protein structure and function output the following: SIFT: "Tolerated"; PolyPhen-2: "Benign"; Align-GVGD: "Class C0". The valine amino acid residue is found in multiple mammalian species, which suggests that this missense change does not adversely affect protein function. This variant has not been reported in the literature in individuals affected with DST-related conditions.